The following is an entry in ClinVar:

NM_000452.3(SLC10A2):c.790A>G (p.Met264Val)

Gene: SLC10A2 (solute carrier family 10 member 2; minus strand). Cytogenetic location: 13q33.1.
Variant type: single nucleotide variant.
Coding change: c.790A>G on transcript NM_000452.3 (MANE Select); coding-DNA position 790, A replaced by G.
Protein change: p.Met264Val; replaces methionine 264 with valine.
Molecular consequence: missense variant.
Genome position (GRCh38, 1-based): chr13:103,049,418, T>C on the plus strand (A>G on the coding strand, the complement: SLC10A2 is on the minus strand). VCF-style: chr13-103049418-T-C. GRCh37 (hg19) VCF-style: chr13-103701768-T-C.
Other names: p.Met264Val; short protein forms M264V.
Identifiers: ClinVar variation 2683237 (VCV002683237.2), dbSNP rs754673709, ClinGen allele CA7042043.
Genomic context (GRCh38, chr13:103,049,418, plus strand): 5'-TGAGCTCCTCAGGAGTGAAGGAGAGCTGAACGATGGTGGAACATAGCTGCGTGTTCTGCA[T>C]CCCCGTTTCAAAAGCAACCGTTCGGCACCTAAAGAAGATGTTAAGAGAGCACATGTTTTA-3'
Protein context (NP_000443.2, residues 254-274): RCRTVAFETG[Met264Val]QNTQLCSTIV

ClinVar aggregate classification (germline): Uncertain significance. Review status: criteria provided, multiple submitters, no conflicts (2 of 4 stars). 2 submissions from 2 submitters: Uncertain significance (2). Last evaluated 2025-09-10.

Allele frequency attached by ClinVar (database versions not stated): TOPMed below 0.00001; ExAC 0.00001; gnomAD 0.00001.

Submissions (2):

Labcorp Genetics (formerly Invitae), Labcorp
Classification: Uncertain significance. Last evaluated: 2025-09-10. Review status: criteria provided, single submitter. Criteria: Invitae Variant Classification Sherloc (09022015). Collection method: clinical testing. Allele origin: germline.
Comment: This sequence change replaces methionine, which is neutral and non-polar, with valine, which is neutral and non-polar, at codon 264 of the SLC10A2 protein (p.Met264Val). This variant is present in population databases (rs754673709, gnomAD 0.003%). This variant has not been reported in the literature in individuals affected with SLC10A2-related conditions. ClinVar contains an entry for this variant (Variation ID: 2683237). Invitae Evidence Modeling of protein sequence and biophysical properties (such as structural, functional, and spatial information, amino acid conservation, physicochemical variation, residue mobility, and thermodynamic stability) indicates that this missense variant is not expected to disrupt SLC10A2 protein function with a negative predictive value of 80%. Experimental studies have shown that this missense change affects SLC10A2 function (PMID: 21649730). In summary, the available evidence is currently insufficient to determine the role of this variant in disease. Therefore, it has been classified as a Variant of Uncertain Significance.

Mayo Clinic Laboratories, Mayo Clinic
Classification: Uncertain significance. Last evaluated: 2022-07-05. Review status: criteria provided, single submitter. Criteria: ACMG Guidelines, 2015. Collection method: clinical testing. Allele origin: germline. Observed: 1 variant allele.
Comment: PM2

Literature cited by the submitters: PubMed 21649730 (cited by Labcorp Genetics (formerly Invitae), Labcorp and Mayo Clinic Laboratories, Mayo Clinic); PubMed 23506869 (cited by Mayo Clinic Laboratories, Mayo Clinic); PubMed 25027376 (cited by Mayo Clinic Laboratories, Mayo Clinic); PubMed 32201314 (cited by Mayo Clinic Laboratories, Mayo Clinic).